The following is an entry in ClinVar:

ClinVar aggregate classification (germline): Pathogenic (1 of 4 stars; one submission).

Conditions:
X-linked Alport syndrome (ATS1). Also called: NEPHROPATHY AND DEAFNESS, X-LINKED; COL4A5-Related Nephropathy. Identifiers: Orphanet 63, Orphanet 88917, MedGen C4746986, MONDO:0010520, OMIM 301050.

Submission:

MVZ Medizinische Genetik Mainz
Classification: Pathogenic for X-linked Alport syndrome. Last evaluated: 2024-11-11. Review status: criteria provided, single submitter. Criteria: UK Practice Guidelines For Variant Classification V4 01 2020. Collection method: clinical testing. Allele origin: germline. Inheritance: Autosomal dominant inheritance. Affected: yes. Observed: 2 variant alleles.
Comment: ACMG Criteria: PVS1,PM2_SUP,PP3

NM_033380.3(COL4A5):c.1814dup (p.Gly606fs)

Gene: COL4A5 (collagen type IV alpha 5 chain; plus strand). Cytogenetic location: Xq22.3.
Variant type: Duplication.
Coding change: c.1814dup on transcript NM_033380.3 (MANE Select); coding-DNA position 1814, one base duplicated (C; older notation c.1814dupC).
Protein change: p.Gly606fs; shifts the reading frame from glycine 606.
Molecular consequence: frameshift variant.
Genome position (GRCh38, 1-based): chrX:108,598,736, C duplicated; the last of 5 consecutive C bases (chrX:108,598,732-108,598,736); duplicating any one gives the same sequence. VCF-style (leftmost placement, unchanged base first): chrX-108598731-T-TC. GRCh37 (hg19) VCF-style: chrX-107841961-T-TC.
Other names: c.1814dup, p.Gly606fs (NM_000495.5); short protein forms G606fs.
Identifiers: ClinVar variation 3256696 (VCV003256696.2).